The following is an entry in ClinVar:

ClinVar aggregate classification (germline): Uncertain significance (1 of 4 stars; one submission).

Conditions:
Dilated cardiomyopathy 1P (CMD1P). Identifiers: Orphanet 154, MedGen C1835928, MONDO:0012362, OMIM 609909.

Submission:

Labcorp Genetics (formerly Invitae), Labcorp
Classification: Uncertain significance for Dilated cardiomyopathy 1P. Last evaluated: 2025-10-13. Review status: criteria provided, single submitter. Criteria: Invitae Variant Classification Sherloc (09022015). Collection method: clinical testing. Allele origin: germline.
Comment: This sequence change creates a premature translational stop signal (p.Cys46Leufs*4) in the PLN gene. While this is not anticipated to result in nonsense mediated decay, it is expected to disrupt the last 7 amino acid(s) of the PLN protein. This variant is not present in population databases (gnomAD no frequency). This premature translational stop signal has been observed in individual(s) with dilated cardiomyopathy (internal data). Experimental studies and prediction algorithms are not available or were not evaluated, and the functional significance of this variant is currently unknown. In summary, the available evidence is currently insufficient to determine the role of this variant in disease. Therefore, it has been classified as a Variant of Uncertain Significance.

NM_002667.5(PLN):c.137del (p.Cys46fs)

Genes: CEP85L (centrosomal protein 85L; minus strand), PLN (phospholamban; plus strand). Cytogenetic location: 6q22.31.
Variant type: Deletion.
Coding change: c.137del on transcript NM_002667.5 (MANE Select); coding-DNA position 137, one base deleted (G; older notation c.137delG).
Protein change: p.Cys46fs; shifts the reading frame from cysteine 46.
Molecular consequence: frameshift variant. On other transcripts: intron variant (3).
Genome position (GRCh38, 1-based): chr6:118,559,058, G deleted. VCF-style (leftmost placement, unchanged base first): chr6-118559057-TG-T. GRCh37 (hg19) VCF-style: chr6-118880220-TG-T.
Other names: c.1029+6471del (NM_001178035.2); c.1020+6471del (NM_001042475.3, NM_206921.3); short protein forms C46fs.
Identifiers: ClinVar variation 4729162 (VCV004729162.1).